The following is an entry in ClinVar:

NM_052947.4(ALPK2):c.91C>G (p.Leu31Val)

Gene: ALPK2 (alpha kinase 2; minus strand). Cytogenetic location: 18q21.32.
Variant type: single nucleotide variant.
Coding change: c.91C>G on transcript NM_052947.4 (MANE Select); coding-DNA position 91, C replaced by G.
Protein change: p.Leu31Val; replaces leucine 31 with valine.
Molecular consequence: missense variant.
Genome position (GRCh38, 1-based): chr18:58,611,707, G>C on the plus strand (C>G on the coding strand, the complement: ALPK2 is on the minus strand). VCF-style: chr18-58611707-G-C. GRCh37 (hg19) VCF-style: chr18-56278939-G-C.
Other names: short protein forms L31V.
Identifiers: ClinVar variation 1766159 (VCV001766159.2), dbSNP rs2052132307, ClinGen allele CA402557879.

ClinVar aggregate classification (germline): Uncertain significance (1 of 4 stars; one submission).

Submission:

Ambry Genetics
Classification: Uncertain significance. Last evaluated: 2021-08-21. Review status: criteria provided, single submitter. Criteria: Ambry Variant Classification Scheme 2023. Collection method: clinical testing. Allele origin: germline.
Comment: The p.L31V variant (also known as c.91C>G), located in coding exon 1 of the ALPK2 gene, results from a C to G substitution at nucleotide position 91. The leucine at codon 31 is replaced by valine, an amino acid with highly similar properties. This amino acid position is conserved. In addition, the in silico prediction for this alteration is inconclusive. Since supporting evidence is limited at this time, the clinical significance of this alteration remains unclear.